The following is an entry in ClinVar:

ClinVar aggregate classification (germline): Uncertain significance (1 of 4 stars; one submission).

Conditions:
Fanconi anemia (FA). Also called: Fanconi's anemia. Identifiers: Orphanet 84, MedGen C0015625, MeSH D005199, MONDO:0019391.

gnomAD v4.1: 6 of 1,551,202 alleles (0.00039%); highest among the groups gnomAD compares: Non-Finnish European, 0.00035%; no homozygotes.

Submission:

Labcorp Genetics (formerly Invitae), Labcorp
Classification: Uncertain significance for Fanconi anemia. Last evaluated: 2025-07-19. Review status: criteria provided, single submitter. Criteria: Invitae Variant Classification Sherloc (09022015). Collection method: clinical testing. Allele origin: germline.
Comment: This sequence change replaces arginine, which is basic and polar, with leucine, which is neutral and non-polar, at codon 1321 of the FANCA protein (p.Arg1321Leu). This variant is not present in population databases (gnomAD no frequency). This variant has not been reported in the literature in individuals affected with FANCA-related conditions. Invitae Evidence Modeling of protein sequence and biophysical properties (such as structural, functional, and spatial information, amino acid conservation, physicochemical variation, residue mobility, and thermodynamic stability) indicates that this missense variant is not expected to disrupt FANCA protein function with a negative predictive value of 95%. In summary, the available evidence is currently insufficient to determine the role of this variant in disease. Therefore, it has been classified as a Variant of Uncertain Significance.

NM_000135.4(FANCA):c.3962G>T (p.Arg1321Leu)

Genes: FANCA (FA complementation group A; minus strand), ZNF276 (zinc finger protein 276; plus strand). Cytogenetic location: 16q24.3.
Variant type: single nucleotide variant.
Coding change: c.3962G>T on transcript NM_000135.4 (MANE Select); coding-DNA position 3962, G replaced by T.
Protein change: p.Arg1321Leu; replaces arginine 1321 with leucine.
Molecular consequence: missense variant. On other transcripts: 3 prime UTR variant (2), non-coding transcript variant (4).
Genome position (GRCh38, 1-based): chr16:89,739,526, C>A on the plus strand (G>T on the coding strand, the complement: FANCA is on the minus strand). VCF-style: chr16-89739526-C-A. GRCh37 (hg19) VCF-style: chr16-89805934-C-A.
Other names: c.3962G>T, p.Arg1321Leu (NM_001286167.3); c.*1280C>A (NM_001113525.2, NM_152287.4); short protein forms R1321L.
Identifiers: ClinVar variation 4740293 (VCV004740293.1).
Genomic context (GRCh38, chr16:89,739,526, plus strand): 5'-GGGTGGAGGTACCTGTAAAAAGCGAAAGGCAGCAGCCTGGTGTGCTGATCCGGGGCCACA[C>A]GGAGGAGGAGCCGCCCCAGCCTGAGGTCTGCAACACCAAGAAGTGGCTCAGGCAACTCTG-3'
Protein context (NP_000126.2, residues 1311-1331): SDLRLGRLLL[Arg1321Leu]VAPDQHTRLL